The following is an entry in ClinVar:

NM_015629.4(PRPF31):c.866_875del (p.Arg289fs)

Gene: PRPF31 (pre-mRNA processing factor 31; plus strand). Cytogenetic location: 19q13.42.
Variant type: Deletion.
Coding change: c.866_875del on transcript NM_015629.4 (MANE Select); coding-DNA positions 866 to 875, 10 bases deleted (GGAAAGCGGC; older notation c.866_875delGGAAAGCGGC).
Protein change: p.Arg289fs; shifts the reading frame from arginine 289.
Molecular consequence: frameshift variant.
Genome position (GRCh38, 1-based): chr19:54,126,538-54,126,547, GGAAAGCGGC deleted; deleting any 10 consecutive bases within chr19:54,126,533-54,126,547 gives the same sequence; the c. name uses the placement nearest the transcript's 3' end. VCF-style (leftmost placement, unchanged base first): chr19-54126532-TGCGGCGGAAA-T. GRCh37 (hg19) VCF-style: chr19-54629907-TGCGGCGGAAA-T.
Other names: short protein forms R289fs.
Identifiers: ClinVar variation 4293597 (VCV004293597.1).

ClinVar aggregate classification (germline): Likely pathogenic (1 of 4 stars; one submission).

Conditions:
Retinitis pigmentosa 11 (RP11). Identifiers: Orphanet 791, MedGen C1838601, MONDO:0010828, OMIM 600138.

Submission:

3billion
Classification: Likely pathogenic for Retinitis pigmentosa 11. Last evaluated: 2024-11-27. Review status: criteria provided, single submitter. Criteria: ACMG Guidelines, 2015. Collection method: clinical testing. Allele origin: germline. Affected: yes.
Comment: The variant is not observed in the gnomAD v4.1.0 dataset. Predicted Consequence/Location: Frameshift: predicted to result in a loss or disruption of normal protein function through nonsense-mediated decay (NMD) or protein truncation. Multiple pathogenic variants are reported downstream of the variant. Therefore, this variant is classified as Likely pathogenic according to the recommendation of ACMG/AMP guideline.